The following is an entry in ClinVar:

ClinVar aggregate classification (germline): Uncertain significance (1 of 4 stars; one submission).

Conditions:
Developmental and epileptic encephalopathy, 34 (DEE34). Also called: SLC12A5-Related Epilepsy of Infancy with Migrating Focal Seizures; Early infantile epileptic encephalopathy 34. Identifiers: Orphanet 293181, MedGen C4225257, MONDO:0014718, OMIM 616645.

Submission:

Labcorp Genetics (formerly Invitae), Labcorp
Classification: Uncertain significance for Developmental and epileptic encephalopathy, 34. Last evaluated: 2023-11-28. Review status: criteria provided, single submitter. Criteria: Invitae Variant Classification Sherloc (09022015). Collection method: clinical testing. Allele origin: germline.
Comment: This sequence change replaces isoleucine, which is neutral and non-polar, with phenylalanine, which is neutral and non-polar, at codon 729 of the SLC12A5 protein (p.Ile729Phe). This variant is not present in population databases (gnomAD no frequency). This variant has not been reported in the literature in individuals affected with SLC12A5-related conditions. ClinVar contains an entry for this variant (Variation ID: 1012035). Advanced modeling of protein sequence and biophysical properties (such as structural, functional, and spatial information, amino acid conservation, physicochemical variation, residue mobility, and thermodynamic stability) has been performed at Invitae for this missense variant, however the output from this modeling did not meet the statistical confidence thresholds required to predict the impact of this variant on SLC12A5 protein function. In summary, the available evidence is currently insufficient to determine the role of this variant in disease. Therefore, it has been classified as a Variant of Uncertain Significance.

NM_020708.5(SLC12A5):c.2185A>T (p.Ile729Phe)

Gene: SLC12A5 (solute carrier family 12 member 5; plus strand). Cytogenetic location: 20q13.12.
Variant type: single nucleotide variant.
Coding change: c.2185A>T on transcript NM_020708.5 (MANE Select); coding-DNA position 2185, A replaced by T.
Protein change: p.Ile729Phe; replaces isoleucine 729 with phenylalanine.
Molecular consequence: missense variant.
Genome position (GRCh38, 1-based): chr20:46,051,678, A>T. VCF-style: chr20-46051678-A-T. GRCh37 (hg19) VCF-style: chr20-44680317-A-T.
Other names: c.2254A>T, p.Ile752Phe (NM_001134771.2); short protein forms I729F, I752F.
Identifiers: ClinVar variation 1012035 (VCV001012035.9), dbSNP rs1479711008, ClinGen allele CA409203064.
Genomic context (GRCh38, chr20:46,051,678, plus strand): 5'-GCCCAGCCAGGGCCAGGGAGGCCTGAGGCTGGTCCTTGTCTTTTCCCCCTCCCCTAGTCT[A>T]TCAGGCGCCTGATGGAGGCAGAGAAGGTGAAGGGCTTCTGCCAGGTGGTGATCTCCTCCA-3'
Protein context (NP_065759.1, residues 719-739): HPQAQRAEES[Ile729Phe]RRLMEAEKVK